The following is an entry in ClinVar:

ClinVar aggregate classification (germline): Uncertain significance. Review status: criteria provided, multiple submitters, no conflicts (2 of 4 stars). 2 submissions from 2 submitters: Uncertain significance (2). Last evaluated 2025-11-08.

Conditions:
Immunodeficiency 51 (IMD51). Also called: CANDIDIASIS, FAMILIAL, 5. Identifiers: Orphanet 1334, MedGen C4310803, MONDO:0013500, OMIM 613953.

Allele frequency attached by ClinVar (database versions not stated): gnomAD exomes 0.00001 and 0.00002; TOPMed 0.00001; gnomAD 0.00002; ExAC 0.00003.
gnomAD v4.1: 21 of 1,614,102 alleles (0.0013%); highest among the groups gnomAD compares: Non-Finnish European, 0.0016%; no homozygotes.

Submissions (2):

Ambry Genetics
Classification: Uncertain significance. Last evaluated: 2025-11-08. Review status: criteria provided, single submitter. Criteria: Ambry Variant Classification Scheme 2023. Collection method: clinical testing. Allele origin: germline.

Labcorp Genetics (formerly Invitae), Labcorp
Classification: Uncertain significance for Immunodeficiency 51. Last evaluated: 2022-06-22. Review status: criteria provided, single submitter. Criteria: Invitae Variant Classification Sherloc (09022015). Collection method: clinical testing. Allele origin: germline.
Comment: This sequence change replaces leucine, which is neutral and non-polar, with proline, which is neutral and non-polar, at codon 76 of the IL17RA protein (p.Leu76Pro). This variant is present in population databases (rs745774811, gnomAD 0.004%). This variant has not been reported in the literature in individuals affected with IL17RA-related conditions. ClinVar contains an entry for this variant (Variation ID: 957482). Algorithms developed to predict the effect of missense changes on protein structure and function are either unavailable or do not agree on the potential impact of this missense change (SIFT: "Deleterious"; PolyPhen-2: "Probably Damaging"; Align-GVGD: "Class C0"). In summary, the available evidence is currently insufficient to determine the role of this variant in disease. Therefore, it has been classified as a Variant of Uncertain Significance.

NM_014339.7(IL17RA):c.227T>C (p.Leu76Pro)

Gene: IL17RA (interleukin 17 receptor A; plus strand). Cytogenetic location: 22q11.1.
Variant type: single nucleotide variant.
Coding change: c.227T>C on transcript NM_014339.7 (MANE Select); coding-DNA position 227, T replaced by C.
Protein change: p.Leu76Pro; replaces leucine 76 with proline.
Molecular consequence: missense variant.
Genome position (GRCh38, 1-based): chr22:17,097,860, T>C. VCF-style: chr22-17097860-T-C. GRCh37 (hg19) VCF-style: chr22-17578750-T-C.
Other names: c.227T>C, p.Leu76Pro (NM_001289905.2); c.227T>C (NM_014339.5); short protein forms L76P.
Identifiers: ClinVar variation 957482 (VCV000957482.8), dbSNP rs745774811, ClinGen allele CA10086264.